The following is an entry in ClinVar:

NM_000218.3(KCNQ1):c.1533G>A (p.Arg511=)

Gene: KCNQ1 (potassium voltage-gated channel subfamily Q member 1; plus strand). Cytogenetic location: 11p15.5.
Variant type: single nucleotide variant.
Coding change: c.1533G>A on transcript NM_000218.3 (MANE Select); coding-DNA position 1533, G replaced by A.
Protein change: p.Arg511=; no amino-acid change (arginine 511 retained).
Molecular consequence: synonymous variant.
Genome position (GRCh38, 1-based): chr11:2,768,862, G>A. VCF-style: chr11-2768862-G-A. GRCh37 (hg19) VCF-style: chr11-2790092-G-A.
Other names: c.1437G>A, p.Arg479= (NM_001406836.1); c.1263G>A, p.Arg421= (NM_001406837.1); c.993G>A, p.Arg331= (NM_001406838.1); c.1152G>A, p.Arg384= (NM_181798.2).
Identifiers: ClinVar variation 927286 (VCV000927286.16), dbSNP rs535306115, ClinGen allele CA030789.
Genomic context (GRCh38, chr11:2,768,862, plus strand): 5'-CAGGGTGGCCACTCACAATCTCCTCTCCTCTCTCCACTGCAGGCTGCGGGAACACCATCG[G>A]GCCACCATTAAGGTCATTCGACGCATGCAGTACTTTGTGGCCAAGAAGAAATTCCAGGTA-3'
Protein context (NP_000209.2, residues 501-521): THISQLREHH[Arg511=]ATIKVIRRMQ

ClinVar aggregate classification (germline): Likely benign. Review status: criteria provided, multiple submitters, no conflicts (2 of 4 stars). 4 submissions from 4 submitters: Likely benign (4). Last evaluated 2025-05-13.

Conditions:
Cardiac arrhythmia. Also called: Cardiac rhythm disease; Arrhythmia. Identifiers: MedGen C0003811, MONDO:0007263, HP:0011675.
Cardiovascular phenotype. Identifiers: MedGen CN230736.
Long QT syndrome (LQTS). Identifiers: MedGen C0023976, MeSH D008133, MONDO:0002442. Disease mechanism: loss of function. Inheritance: Various modes of inheritance.

Allele frequency attached by ClinVar (database versions not stated): gnomAD exomes below 0.00001 and 0.00002; TOPMed 0.00002; ExAC 0.00003; gnomAD 0.00004; 1000 Genomes Project 30x 0.00016; 1000 Genomes Project 0.00020.
gnomAD v4.1: 11 of 1,613,976 alleles (0.00068%); highest among the groups gnomAD compares: African/African-American, 0.015%; no homozygotes.

Submissions (4):

Labcorp Genetics (formerly Invitae), Labcorp
Classification: Likely benign for Long QT syndrome. Last evaluated: 2025-05-13. Review status: criteria provided, single submitter. Criteria: Invitae Variant Classification Sherloc (09022015). Collection method: clinical testing. Allele origin: germline.

All of Us Research Program, National Institutes of Health
Classification: Likely benign for Long QT syndrome. Last evaluated: 2023-08-15. Review status: criteria provided, single submitter. Criteria: ACMG Guidelines, 2015. Collection method: clinical testing. Allele origin: germline. Inheritance: Autosomal dominant inheritance. Observed: 1 variant allele, 1 heterozygote.
Comment: This study involves interpretation of variants in research participants for the purpose of population health screening. Participant phenotype was not available at the time of variant classification. Additional details can be found in publication PMID: 35346344, PMCID: PMC8962531

Ambry Genetics
Classification: Likely benign for Cardiovascular phenotype. Last evaluated: 2021-10-19. Review status: criteria provided, single submitter. Criteria: Ambry Variant Classification Scheme 2023. Collection method: clinical testing. Allele origin: germline.

Color Diagnostics, LLC DBA Color Health
Classification: Likely benign for Arrhythmia. Last evaluated: 2019-06-18. Review status: criteria provided, single submitter. Criteria: ACMG Guidelines, 2015. Collection method: clinical testing. Allele origin: germline.